The following is an entry in ClinVar:

ClinVar aggregate classification (germline): Uncertain significance (1 of 4 stars; one submission).

Conditions:
Inborn genetic diseases. Identifiers: MedGen C0950123, MeSH D030342.

Submission:

Ambry Genetics
Classification: Uncertain significance for Inborn genetic diseases. Last evaluated: 2020-12-09. Review status: criteria provided, single submitter. Criteria: Ambry Variant Classification Scheme 2023. Collection method: clinical testing. Allele origin: germline.
Comment: The p.K560E variant (also known as c.1678A>G), located in coding exon 14 of the PLEKHG5 gene, results from an A to G substitution at nucleotide position 1678. The lysine at codon 560 is replaced by glutamic acid, an amino acid with similar properties. This amino acid position is highly conserved in available vertebrate species. In addition, the in silico prediction for this alteration is inconclusive. Since supporting evidence is limited at this time, the clinical significance of this alteration remains unclear.

NM_020631.6(PLEKHG5):c.1678A>G (p.Lys560Glu)

Gene: PLEKHG5 (pleckstrin homology and RhoGEF domain containing G5; minus strand). Cytogenetic location: 1p36.31.
Variant type: single nucleotide variant.
Coding change: c.1678A>G on transcript NM_020631.6 (MANE Select); coding-DNA position 1678, A replaced by G.
Protein change: p.Lys560Glu; replaces lysine 560 with glutamic acid.
Molecular consequence: missense variant.
Genome position (GRCh38, 1-based): chr1:6,470,508, T>C on the plus strand (A>G on the coding strand, the complement: PLEKHG5 is on the minus strand). VCF-style: chr1-6470508-T-C. GRCh37 (hg19) VCF-style: chr1-6530568-T-C.
Other names: c.1789A>G, p.Lys597Glu (NM_001042663.3, NM_001265592.2); c.1678A>G, p.Lys560Glu (NM_001042664.2, NM_001042665.2, NM_001265594.3 and 1 more transcripts); c.1885A>G, p.Lys629Glu (NM_001265593.2); short protein forms K597E, K560E, K629E.
Identifiers: ClinVar variation 1777831 (VCV001777831.2), dbSNP rs2523149258, ClinGen allele CA338124261.